The following is an entry in ClinVar:

NM_000088.4(COL1A1):c.3470G>A (p.Gly1157Asp)

Gene: COL1A1 (collagen type I alpha 1 chain; minus strand). Cytogenetic location: 17q21.33.
Variant type: single nucleotide variant.
Coding change: c.3470G>A on transcript NM_000088.4 (MANE Select); coding-DNA position 3470, G replaced by A.
Protein change: p.Gly1157Asp; replaces glycine 1157 with aspartic acid.
Molecular consequence: missense variant.
Genome position (GRCh38, 1-based): chr17:50,187,076, C>T on the plus strand (G>A on the coding strand, the complement: COL1A1 is on the minus strand). VCF-style: chr17-50187076-C-T. GRCh37 (hg19) VCF-style: chr17-48264437-C-T.
Other names: short protein forms G1157D.
Identifiers: ClinVar variation 1076168 (VCV001076168.9), dbSNP rs72656323, ClinGen allele CA291542911.
Genomic context (GRCh38, chr17:50,187,076, plus strand): 5'-ACAGGACCAGCATCACCAGTGCGACCGCGAGGACCAGGGGGCCCAATGGGGCCAGGGAGA[C>T]CGTTGAGTCCATCTTTGCCAGGAGCACCAGCAGAGCCAGGGGGACCCTGGAGTGGGGGAA-3'
Protein context (NP_000079.2, residues 1147-1167): AGAPGKDGLN[Gly1157Asp]LPGPIGPPGP

ClinVar aggregate classification (germline): Pathogenic (1 of 4 stars; one submission).

Conditions:
Osteogenesis imperfecta type I (OI1). Also called: OI, TYPE I; OSTEOGENESIS IMPERFECTA TARDA; OSTEOGENESIS IMPERFECTA WITH BLUE SCLERAE; Osteogenesis imperfecta type 1; Classic Non-deforming Osteogenesis Imperfecta with Blue Sclerae; Lobstein's Disease. Identifiers: Orphanet 216796, Orphanet 666, MedGen C0023931, MONDO:0008146, OMIM 166200. Disease mechanism: loss of function.

Submission:

Labcorp Genetics (formerly Invitae), Labcorp
Classification: Pathogenic for Osteogenesis imperfecta type I. Last evaluated: 2025-02-10. Review status: criteria provided, single submitter. Criteria: Invitae Variant Classification Sherloc (09022015). Collection method: clinical testing. Allele origin: germline.
Comment: This sequence change replaces glycine, which is neutral and non-polar, with aspartic acid, which is acidic and polar, at codon 1157 of the COL1A1 protein (p.Gly1157Asp). This variant is not present in population databases (gnomAD no frequency). This missense change has been observed in individuals with osteogenesis imperfecta (PMID: 16638323, 30715774). It has also been observed to segregate with disease in related individuals. ClinVar contains an entry for this variant (Variation ID: 1076168). Invitae Evidence Modeling of protein sequence and biophysical properties (such as structural, functional, and spatial information, amino acid conservation, physicochemical variation, residue mobility, and thermodynamic stability) indicates that this missense variant is expected to disrupt COL1A1 protein function with a positive predictive value of 95%. This variant disrupts the triple helix domain of COL1A1. Glycine residues within the Gly-Xaa-Yaa repeats of the triple helix domain are required for the structure and stability of fibrillar collagens (PMID: 7695699, 8218237, 19344236). In COL1A1, variants affecting these glycine residues are significantly enriched in individuals with disease (PMID: 9016532, 17078022) compared to the general population (ExAC). For these reasons, this variant has been classified as Pathogenic.

Literature cited by the submitters: PubMed 16638323; PubMed 30715774; PubMed 7695699; PubMed 8218237; PubMed 19344236; PubMed 9016532; PubMed 17078022.